The following is an entry in ClinVar:

NM_000112.4(SLC26A2):c.1481C>T (p.Ala494Val)

Gene: SLC26A2 (solute carrier family 26 member 2; plus strand). Cytogenetic location: 5q32.
Variant type: single nucleotide variant.
Coding change: c.1481C>T on transcript NM_000112.4 (MANE Select); coding-DNA position 1481, C replaced by T.
Protein change: p.Ala494Val; replaces alanine 494 with valine.
Molecular consequence: missense variant.
Genome position (GRCh38, 1-based): chr5:149,981,074, C>T. VCF-style: chr5-149981074-C-T. GRCh37 (hg19) VCF-style: chr5-149360637-C-T.
Other names: short protein forms A494V.
Identifiers: ClinVar variation 2155558 (VCV002155558.4), dbSNP rs564881130, ClinGen allele CA3505445.

ClinVar aggregate classification (germline): Uncertain significance (1 of 4 stars; one submission).

Conditions:
Achondrogenesis, type IB (ACG1B). Also called: Achondrogenesis Type 1B. Identifiers: Orphanet 932, Orphanet 93298, MedGen C0265274, MONDO:0010966, OMIM 600972.
Multiple epiphyseal dysplasia type 4 (EDM4). Also called: SLC26A2-Related Multiple Epiphyseal Dysplasia; Multiple Epiphyseal Dysplasia, Recessive; MULTIPLE EPIPHYSEAL DYSPLASIA WITH BILAYERED PATELLAE; MULTIPLE EPIPHYSEAL DYSPLASIA WITH CLUBFOOT; MULTIPLE EPIPHYSEAL DYSPLASIA, AUTOSOMAL RECESSIVE. Identifiers: Orphanet 93307, MedGen C1847593, MONDO:0009189, OMIM 226900.
Atelosteogenesis type II (AO2). Also called: Neonatal osseous dysplasia 1; SLC26A2-Related Atelosteogenesis; NEONATAL OSSEOUS DYSPLASIA I. Identifiers: Orphanet 56304, MedGen C1850554, MONDO:0009727, OMIM 256050.
Diastrophic dysplasia (DTD). Also called: Diastrophic dwarfism. Identifiers: Orphanet 628, MedGen C0220726, MONDO:0009107, OMIM 222600.

Allele frequency attached by ClinVar (database versions not stated): TOPMed below 0.00001; gnomAD 0.00002; gnomAD exomes 0.00003; ExAC 0.00007; 1000 Genomes Project 30x 0.00016; 1000 Genomes Project 0.00020.
gnomAD v4.1: 49 of 1,614,142 alleles (0.003%); highest among the groups gnomAD compares: South Asian, 0.045%; 3 homozygotes.

Submission:

Labcorp Genetics (formerly Invitae), Labcorp
Classification: Uncertain significance for Atelosteogenesis type II; Multiple epiphyseal dysplasia type 4; Achondrogenesis, type IB; Diastrophic dysplasia. Last evaluated: 2022-04-21. Review status: criteria provided, single submitter. Criteria: Invitae Variant Classification Sherloc (09022015). Collection method: clinical testing. Allele origin: germline.
Comment: This variant is present in population databases (rs564881130, gnomAD 0.04%). This sequence change replaces alanine, which is neutral and non-polar, with valine, which is neutral and non-polar, at codon 494 of the SLC26A2 protein (p.Ala494Val). This variant has not been reported in the literature in individuals affected with SLC26A2-related conditions. In summary, the available evidence is currently insufficient to determine the role of this variant in disease. Therefore, it has been classified as a Variant of Uncertain Significance. Advanced modeling of protein sequence and biophysical properties (such as structural, functional, and spatial information, amino acid conservation, physicochemical variation, residue mobility, and thermodynamic stability) performed at Invitae indicates that this missense variant is expected to disrupt SLC26A2 protein function.